The following is an entry in ClinVar:

ClinVar aggregate classification (germline): Uncertain significance. Review status: criteria provided, multiple submitters, no conflicts (2 of 4 stars). 6 submissions from 6 submitters: Uncertain significance (6). Last evaluated 2026-09-10.

Conditions:
Cardiovascular phenotype. Identifiers: MedGen CN230736.
Osteogenesis imperfecta type I (OI1). Also called: Osteogenesis imperfecta type 1; Lobstein disease; Classic Non-deforming Osteogenesis Imperfecta with Blue Sclerae; Lobstein's Disease; OI, TYPE I; OSTEOGENESIS IMPERFECTA TARDA. Identifiers: Orphanet 216796, Orphanet 666, MedGen C0023931, MONDO:0008146, OMIM 166200. Disease mechanism: loss of function.
Ehlers-Danlos syndrome, classic type, 1 (EDSCL1). Also called: Ehlers-Danlos Syndrome, Classic Type, COL5A1-Related; EDS I; Ehlers-Danlos syndrome, type 1; EHLERS-DANLOS SYNDROME, GRAVIS TYPE; EHLERS-DANLOS SYNDROME, SEVERE CLASSIC TYPE. Identifiers: MedGen C0268335, MONDO:0019567, OMIM 130000.
COL1A2-related disorder. Also called: COL1A2-related condition; COL1A2-Related Disorders.

Allele frequency attached by ClinVar (database versions not stated): gnomAD exomes 0.00007; TOPMed 0.00007; ExAC 0.00008; ESP Exome Variant Server 0.00008; gnomAD 0.00009.
gnomAD v4.1: 147 of 1,603,386 alleles (0.0092%); highest among the groups gnomAD compares: Middle Eastern, 0.017%; no homozygotes.

Submissions (6):

Ambry Genetics
Classification: Uncertain significance for Cardiovascular phenotype. Last evaluated: 2026-09-10. Review status: criteria provided, single submitter. Criteria: Ambry Variant Classification Scheme 2023. Collection method: clinical testing. Allele origin: germline.
Comment: The c.2275G>A (p.V759I) alteration is located in exon 37 (coding exon 37) of the COL1A2 gene. This alteration results from a G to A substitution at nucleotide position 2275, causing the valine (V) at amino acid position 759 to be replaced by an isoleucine (I). Based on data from gnomAD, the A allele has an overall frequency of 0.008% (21/261306) total alleles studied. The highest observed frequency was 0.017% (4/23556) of African alleles. Based on insufficient or conflicting evidence, the clinical significance of this alteration remains unclear.

PreventionGenetics, part of Exact Sciences
Classification: Uncertain significance for COL1A2-related condition. Last evaluated: 2026-03-25. Review status: criteria provided, single submitter. Criteria: ACMG Guidelines, 2015. Collection method: clinical testing. Allele origin: germline.
Comment: The COL1A2 c.2275G>A variant is predicted to result in the amino acid substitution p.Val759Ile. To our knowledge, this variant has not been reported in the literature. This variant is reported in 0.017% of alleles in individuals of African descent in gnomAD. At this time, the clinical significance of this variant is uncertain due to the absence of conclusive functional and genetic evidence.

Women's Health and Genetics/Laboratory Corporation of America, LabCorp
Classification: Uncertain significance. Last evaluated: 2026-03-24. Review status: criteria provided, single submitter. Criteria: LabCorp Variant Classification Summary - May 2015. Collection method: clinical testing. Allele origin: germline.
Comment: Variant summary: COL1A2 c.2275G>A (p.Val759Ile) results in a conservative amino acid change in the encoded protein sequence. Algorithms developed to predict the effect of missense changes on protein structure and function all suggest that this variant is likely to be tolerated. The variant allele was found at a frequency of 7e-05 in 229918 control chromosomes. This frequency is not significantly higher than estimated for disease-causing variants in COL1A2, allowing no conclusion about variant significance. To our knowledge, no occurrence of c.2275G>A in individuals affected with COL1A2-related conditions and no experimental evidence demonstrating its impact on protein function have been reported. ClinVar contains an entry for this variant (Variation ID: 526884). Based on the evidence outlined above, the variant was classified as uncertain significance.

Labcorp Genetics (formerly Invitae), Labcorp
Classification: Uncertain significance for Osteogenesis imperfecta type I; Ehlers-Danlos syndrome, classic type, 1. Last evaluated: 2025-12-31. Review status: criteria provided, single submitter. Criteria: Invitae Variant Classification Sherloc (09022015). Collection method: clinical testing. Allele origin: germline.
Comment: This sequence change replaces valine, which is neutral and non-polar, with isoleucine, which is neutral and non-polar, at codon 759 of the COL1A2 protein (p.Val759Ile). This variant is present in population databases (rs200501072, gnomAD 0.02%). This variant has not been reported in the literature in individuals affected with COL1A2-related conditions. ClinVar contains an entry for this variant (Variation ID: 526884). Invitae Evidence Modeling of protein sequence and biophysical properties (such as structural, functional, and spatial information, amino acid conservation, physicochemical variation, residue mobility, and thermodynamic stability) indicates that this missense variant is not expected to disrupt COL1A2 protein function with a negative predictive value of 95%. In summary, the available evidence is currently insufficient to determine the role of this variant in disease. Therefore, it has been classified as a Variant of Uncertain Significance.

CeGaT Center for Human Genetics Tuebingen
Classification: Uncertain significance. Last evaluated: 2024-08-01. Review status: criteria provided, single submitter. Criteria: CeGaT Center For Human Genetics Tuebingen Variant Classification Criteria Version 2. Collection method: clinical testing. Allele origin: germline. Affected: yes. Observed: 1 variant allele.
Comment: COL1A2: PM2

GeneDx
Classification: Uncertain significance. Last evaluated: 2022-08-25. Review status: criteria provided, single submitter. Criteria: GeneDx Variant Classification Process June 2021. Collection method: clinical testing. Allele origin: germline. Affected: yes.
Comment: Has not been previously published as pathogenic or benign to our knowledge; Occurs in the triple helical domain at the Y position in the canonical Gly-X-Y repeat; although this variant may have an effect on normal protein folding and function, missense substitution at the Y position is not a common mechanism of disease (HGMD); In silico analysis supports that this missense variant does not alter protein structure/function

NM_000089.4(COL1A2):c.2275G>A (p.Val759Ile)

Gene: COL1A2 (collagen type I alpha 2 chain; plus strand). Cytogenetic location: 7q21.3.
Variant type: single nucleotide variant.
Coding change: c.2275G>A on transcript NM_000089.4 (MANE Select); coding-DNA position 2275, G replaced by A.
Protein change: p.Val759Ile; replaces valine 759 with isoleucine.
Molecular consequence: missense variant.
Genome position (GRCh38, 1-based): chr7:94,420,628, G>A. VCF-style: chr7-94420628-G-A. GRCh37 (hg19) VCF-style: chr7-94049940-G-A.
Other names: short protein forms V759I.
Identifiers: ClinVar variation 526884 (VCV000526884.33), dbSNP rs200501072, ClinGen allele CA4347368.